The following is an entry in ClinVar:

NC_012920.1(MT-CO3):m.9456A>C

Gene: MT-CO3 (mitochondrially encoded cytochrome c oxidase III; plus strand).
Variant type: single nucleotide variant.
Genome position: chrM-9456-A-C.
Identifiers: ClinVar variation 693166 (VCV000693166.1), dbSNP rs1603222315, ClinGen allele CA414802982.

ClinVar aggregate classification (germline): Uncertain significance (1 of 4 stars; one submission).

Conditions:
Leigh syndrome (NULS). Also called: Leigh's necrotizing encephalopathy; Leigh's disease; Leigh Syndrome (mtDNA deletion); Leigh Disease; Subacute necrotizing encephalopathy; Necrotizing encephalopathy infantile subacute of Leigh. Identifiers: Orphanet 506, MedGen C2931891, MONDO:0009723, OMIM 256000.

Submission:

Wong Mito Lab, Molecular and Human Genetics, Baylor College of Medicine
Classification: Uncertain significance for Leigh syndrome. Last evaluated: 2019-10-17. Review status: criteria provided, single submitter. Criteria: Modified ACMG Guidelines (Unpublished). Collection method: clinical testing. Allele origin: germline.
Comment: The NC_012920.1:m.9456A>C (YP_003024032.1:p.Ile84Leu) variant in MTCO3 gene is interpretated to be a Uncertain Significance variant based on the modified ACMG guidelines (unpublished). This variant meets the following evidence codes: BP4